The following is an entry in ClinVar:

NM_015459.5(ATL3):c.349A>G (p.Thr117Ala)

Genes: ATL3 (atlastin GTPase 3; minus strand), LNCROPM (lncRNA regulator of PLAAT3 mediated phospholipid metabolism; plus strand). Cytogenetic location: 11q13.1.
Variant type: single nucleotide variant.
Coding change: c.349A>G on transcript NM_015459.5 (MANE Select); coding-DNA position 349, A replaced by G.
Protein change: p.Thr117Ala; replaces threonine 117 with alanine.
Molecular consequence: missense variant.
Genome position (GRCh38, 1-based): chr11:63,658,817, T>C on the plus strand (A>G on the coding strand, the complement: ATL3 is on the minus strand). VCF-style: chr11-63658817-T-C. GRCh37 (hg19) VCF-style: chr11-63426289-T-C.
Other names: c.295A>G, p.Thr99Ala (NM_001290048.2); short protein forms T117A, T99A.
Identifiers: ClinVar variation 3689688 (VCV003689688.2).

ClinVar aggregate classification (germline): Uncertain significance (1 of 4 stars; one submission).

Conditions:
Neuropathy, hereditary sensory, type 1F. Also called: HSN IF; Hereditary sensory neuropathy type IF. Identifiers: Orphanet 36386, MedGen C3810194, MONDO:0014286, OMIM 615632.

gnomAD v4.1: 1 of 1,612,878 alleles (0.000062%); highest among the groups gnomAD compares: Non-Finnish European, 0.000085%; no homozygotes.

Submission:

Labcorp Genetics (formerly Invitae), Labcorp
Classification: Uncertain significance for Neuropathy, hereditary sensory, type 1F. Last evaluated: 2024-08-21. Review status: criteria provided, single submitter. Criteria: Invitae Variant Classification Sherloc (09022015). Collection method: clinical testing. Allele origin: germline.
Comment: This sequence change replaces threonine, which is neutral and polar, with alanine, which is neutral and non-polar, at codon 117 of the ATL3 protein (p.Thr117Ala). This variant is not present in population databases (gnomAD no frequency). This variant has not been reported in the literature in individuals affected with ATL3-related conditions. Invitae Evidence Modeling of protein sequence and biophysical properties (such as structural, functional, and spatial information, amino acid conservation, physicochemical variation, residue mobility, and thermodynamic stability) indicates that this missense variant is not expected to disrupt ATL3 protein function with a negative predictive value of 80%. In summary, the available evidence is currently insufficient to determine the role of this variant in disease. Therefore, it has been classified as a Variant of Uncertain Significance.